The following is an entry in ClinVar:

ClinVar aggregate classification (germline): Uncertain significance (1 of 4 stars; one submission).

Conditions:
H syndrome. Also called: HISTIOCYTOSIS AND LYMPHADENOPATHY WITH OR WITHOUT CUTANEOUS, CARDIAC, AND/OR ENDOCRINE FEATURES, JOINT CONTRACTURES, AND/OR DEAFNESS; HYPERPIGMENTATION, CUTANEOUS, WITH HYPERTRICHOSIS, HEPATOSPLENOMEGALY, HEART ANOMALIES, AND HYPOGONADISM WITH OR WITHOUT HEARING LOSS; PIGMENTED HYPERTRICHOSIS WITH INSULIN-DEPENDENT DIABETES MELLITUS; ROSAI-DORFMAN DISEASE, FAMILIAL; SINUS HISTIOCYTOSIS AND MASSIVE LYMPHADENOPATHY; Histiocytosis with joint contractures and sensorineural deafness. Identifiers: Orphanet 168569, MedGen C1864445, MONDO:0011273, OMIM 602782.

Allele frequency attached by ClinVar (database versions not stated): gnomAD exomes below 0.00001; TOPMed below 0.00001.
gnomAD v4.1: 2 of 1,614,186 alleles (0.00012%); highest among the groups gnomAD compares: Admixed American, 0.0033%; no homozygotes.

Submission:

Labcorp Genetics (formerly Invitae), Labcorp
Classification: Uncertain significance for H syndrome. Last evaluated: 2022-03-26. Review status: criteria provided, single submitter. Criteria: Invitae Variant Classification Sherloc (09022015). Collection method: clinical testing. Allele origin: germline.
Comment: This sequence change replaces alanine, which is neutral and non-polar, with threonine, which is neutral and polar, at codon 448 of the SLC29A3 protein (p.Ala448Thr). This variant is not present in population databases (gnomAD no frequency). This variant has not been reported in the literature in individuals affected with SLC29A3-related conditions. Algorithms developed to predict the effect of missense changes on protein structure and function are either unavailable or do not agree on the potential impact of this missense change (SIFT: "Tolerated"; PolyPhen-2: "Probably Damaging"; Align-GVGD: "Class C0"). In summary, the available evidence is currently insufficient to determine the role of this variant in disease. Therefore, it has been classified as a Variant of Uncertain Significance.

NM_018344.6(SLC29A3):c.1342G>A (p.Ala448Thr)

Gene: SLC29A3 (solute carrier family 29 member 3; plus strand). Cytogenetic location: 10q22.1.
Variant type: single nucleotide variant.
Coding change: c.1342G>A on transcript NM_018344.6 (MANE Select); coding-DNA position 1342, G replaced by A.
Protein change: p.Ala448Thr; replaces alanine 448 with threonine.
Molecular consequence: missense variant. On other transcripts: 3 prime UTR variant (1), non-coding transcript variant (2).
Genome position (GRCh38, 1-based): chr10:71,362,522, G>A. VCF-style: chr10-71362522-G-A. GRCh37 (hg19) VCF-style: chr10-73122279-G-A.
Other names: c.*571G>A (NM_001174098.2); c.1108G>A, p.Ala370Thr (NM_001363518.2); short protein forms A370T, A448T.
Identifiers: ClinVar variation 2069902 (VCV002069902.1), dbSNP rs1847094147, ClinGen allele CA377117446.
Genomic context (GRCh38, chr10:71,362,522, plus strand): 5'-TACCTCAGCACCCTGGCCCTCCTCTACGGGCCTAAGATTGTGCCCAGGGAGCTGGCTGAG[G>A]CCACGGGAGTGGTGATGTCCTTTTATGTGTGCTTGGGCTTAACACTGGGCTCAGCCTGCT-3'
Protein context (NP_060814.4, residues 438-458): PKIVPRELAE[Ala448Thr]TGVVMSFYVC